The following is an entry in ClinVar:

ClinVar aggregate classification (germline): Uncertain significance (1 of 4 stars; one submission).

Conditions:
Fanconi anemia (FA). Also called: Fanconi's anemia. Identifiers: Orphanet 84, MedGen C0015625, MeSH D005199, MONDO:0019391.

Allele frequency attached by ClinVar (database versions not stated): ESP Exome Variant Server 0.00008.
gnomAD v4.1: 15 of 1,613,906 alleles (0.00093%); highest among the groups gnomAD compares: African/African-American, 0.0027%; no homozygotes.

Submission:

Labcorp Genetics (formerly Invitae), Labcorp
Classification: Uncertain significance for Fanconi anemia. Last evaluated: 2021-08-24. Review status: criteria provided, single submitter. Criteria: Invitae Variant Classification Sherloc (09022015). Collection method: clinical testing. Allele origin: germline.
Comment: This sequence change replaces threonine with arginine at codon 561 of the FANCA protein (p.Thr561Arg). The threonine residue is highly conserved and there is a moderate physicochemical difference between threonine and arginine. This variant is present in population databases (rs148154682, ExAC 0.01%). This variant has not been reported in the literature in individuals affected with FANCA-related conditions. Advanced modeling of protein sequence and biophysical properties (such as structural, functional, and spatial information, amino acid conservation, physicochemical variation, residue mobility, and thermodynamic stability) performed at Invitae indicates that this missense variant is expected to disrupt FANCA protein function. Algorithms developed to predict the effect of sequence changes on RNA splicing suggest that this variant may create or strengthen a splice site. In summary, the available evidence is currently insufficient to determine the role of this variant in disease. Therefore, it has been classified as a Variant of Uncertain Significance.

NM_000135.4(FANCA):c.1682C>G (p.Thr561Arg)

Gene: FANCA (FA complementation group A; minus strand). Cytogenetic location: 16q24.3.
Variant type: single nucleotide variant.
Coding change: c.1682C>G on transcript NM_000135.4 (MANE Select); coding-DNA position 1682, C replaced by G.
Protein change: p.Thr561Arg; replaces threonine 561 with arginine.
Molecular consequence: missense variant.
Genome position (GRCh38, 1-based): chr16:89,779,902, G>C on the plus strand (C>G on the coding strand, the complement: FANCA is on the minus strand). VCF-style: chr16-89779902-G-C. GRCh37 (hg19) VCF-style: chr16-89846310-G-C.
Other names: c.1682C>G, p.Thr561Arg (NM_001286167.3); short protein forms T561R.
Identifiers: ClinVar variation 1474526 (VCV001474526.5), dbSNP rs148154682, ClinGen allele CA8252173.